The following is an entry in ClinVar:

ClinVar aggregate classification (germline): Uncertain significance (1 of 4 stars; one submission).

Conditions:
CHD7-related disorder. Also called: CHD7-related condition.

gnomAD v4.1: 3 of 1,589,636 alleles (0.00019%); highest among the groups gnomAD compares: Non-Finnish European, 0.00026%; no homozygotes.

Submission:

PreventionGenetics, part of Exact Sciences
Classification: Uncertain significance for CHD7-related condition. Last evaluated: 2025-01-17. Review status: criteria provided, single submitter. Criteria: ACMG Guidelines, 2015. Collection method: clinical testing. Allele origin: germline.
Comment: The CHD7 c.6931C>T variant is predicted to result in the amino acid substitution p.Pro2311Ser. To our knowledge, this variant has not been reported in the literature. This variant is reported in 0.0018% of alleles in individuals of European (Non-Finnish) descent in gnomAD. At this time, the clinical significance of this variant is uncertain due to the absence of conclusive functional and genetic evidence.

NM_017780.4(CHD7):c.6931C>T (p.Pro2311Ser)

Gene: CHD7 (chromodomain helicase DNA binding protein 7; plus strand). Cytogenetic location: 8q12.2.
Variant type: single nucleotide variant.
Coding change: c.6931C>T on transcript NM_017780.4 (MANE Select); coding-DNA position 6931, C replaced by T.
Protein change: p.Pro2311Ser; replaces proline 2311 with serine.
Molecular consequence: missense variant. On other transcripts: intron variant (1).
Genome position (GRCh38, 1-based): chr8:60,854,518, C>T. VCF-style: chr8-60854518-C-T. GRCh37 (hg19) VCF-style: chr8-61767077-C-T.
Other names: c.1717-7711C>T (NM_001316690.1); short protein forms P2311S.
Identifiers: ClinVar variation 4987756 (VCV004987756.1).